The following is an entry in ClinVar:

NM_001130004.2(ACTN1):c.1211C>G (p.Ser404Cys)

Gene: ACTN1 (actinin alpha 1; minus strand). Cytogenetic location: 14q24.1.
Variant type: single nucleotide variant.
Coding change: c.1211C>G on transcript NM_001130004.2 (MANE Select); coding-DNA position 1211, C replaced by G.
Protein change: p.Ser404Cys; replaces serine 404 with cysteine.
Molecular consequence: missense variant.
Genome position (GRCh38, 1-based): chr14:68,890,162, G>C on the plus strand (C>G on the coding strand, the complement: ACTN1 is on the minus strand). VCF-style: chr14-68890162-G-C. GRCh37 (hg19) VCF-style: chr14-69356879-G-C.
Other names: c.1211C>G, p.Ser404Cys (NM_001102.4, NM_001130005.2, NM_001411035.1 and 9 more transcripts); c.1016C>G, p.Ser339Cys (NM_001411036.1, NM_001424026.1, NM_001424028.1); c.1337C>G, p.Ser446Cys (NM_001424013.1); c.1298C>G, p.Ser433Cys (NM_001424015.1); c.1208C>G, p.Ser403Cys (NM_001424017.1); c.1148C>G, p.Ser383Cys (NM_001424018.1, NM_001424020.1, NM_001424022.1); c.1142C>G, p.Ser381Cys (NM_001424021.1); c.386C>G, p.Ser129Cys (NM_001424030.1); short protein forms S433C, S403C, S381C, S446C, S129C, S339C, S383C, S404C.
Identifiers: ClinVar variation 2973351 (VCV002973351.5), dbSNP rs764176256, ClinGen allele CA7242444.

ClinVar aggregate classification (germline): Uncertain significance. Review status: criteria provided, multiple submitters, no conflicts (2 of 4 stars). 3 submissions from 3 submitters: Uncertain significance (3). Last evaluated 2025-06-03.

Conditions:
Inborn genetic diseases. Identifiers: MedGen C0950123, MeSH D030342.
Platelet-type bleeding disorder 15 (BDPLT15). Also called: MACROTHROMBOCYTOPENIA, AUTOSOMAL DOMINANT, ACTN1-RELATED. Identifiers: Orphanet 140957, MedGen C3554663, MONDO:0014078, OMIM 615193.

Allele frequency attached by ClinVar (database versions not stated): gnomAD 0.00001; gnomAD exomes 0.00008; ExAC 0.00001; TOPMed 0.00002.
gnomAD v4.1: 116 of 1,613,928 alleles (0.0072%); highest among the groups gnomAD compares: Non-Finnish European, 0.0092%; no homozygotes.

Submissions (3):

Labcorp Genetics (formerly Invitae), Labcorp
Classification: Uncertain significance. Last evaluated: 2025-06-03. Review status: criteria provided, single submitter. Criteria: Invitae Variant Classification Sherloc (09022015). Collection method: clinical testing. Allele origin: germline.
Comment: This sequence change replaces serine, which is neutral and polar, with cysteine, which is neutral and slightly polar, at codon 404 of the ACTN1 protein (p.Ser404Cys). This variant is present in population databases (rs764176256, gnomAD 0.004%). This variant has not been reported in the literature in individuals affected with ACTN1-related conditions. ClinVar contains an entry for this variant (Variation ID: 2973351). Invitae Evidence Modeling of protein sequence and biophysical properties (such as structural, functional, and spatial information, amino acid conservation, physicochemical variation, residue mobility, and thermodynamic stability) indicates that this missense variant is not expected to disrupt ACTN1 protein function with a negative predictive value of 80%. In summary, the available evidence is currently insufficient to determine the role of this variant in disease. Therefore, it has been classified as a Variant of Uncertain Significance.

Fulgent Genetics
Classification: Uncertain significance for Platelet-type bleeding disorder 15. Last evaluated: 2024-06-12. Review status: criteria provided, single submitter. Criteria: ACMG Guidelines, 2015. Collection method: clinical testing. Allele origin: germline.

Ambry Genetics
Classification: Uncertain significance for Inborn genetic diseases. Last evaluated: 2024-03-18. Review status: criteria provided, single submitter. Criteria: Ambry Variant Classification Scheme 2023. Collection method: clinical testing. Allele origin: germline.